The following is an entry in ClinVar:

NM_000478.6(ALPL):c.334G>A (p.Gly112Ser)

Gene: ALPL (alkaline phosphatase, biomineralization associated; plus strand). Cytogenetic location: 1p36.12.
Variant type: single nucleotide variant.
Coding change: c.334G>A on transcript NM_000478.6 (MANE Select); coding-DNA position 334, G replaced by A.
Protein change: p.Gly112Ser; replaces glycine 112 with serine.
Molecular consequence: missense variant.
Genome position (GRCh38, 1-based): chr1:21,563,146, G>A. VCF-style: chr1-21563146-G-A. GRCh37 (hg19) VCF-style: chr1-21889639-G-A.
Other names: c.169G>A, p.Gly57Ser (NM_001127501.4); c.103G>A, p.Gly35Ser (NM_001177520.3); c.334G>A, p.Gly112Ser (NM_001369803.2, NM_001369804.2, NM_001369805.2); c.334G>A (NM_000478.5); short protein forms G112S, G57S, G35S.
Identifiers: ClinVar variation 549969 (VCV000549969.44), dbSNP rs1384701659, ClinGen allele CA338877125.

ClinVar aggregate classification (germline): Pathogenic/Likely pathogenic. Review status: criteria provided, multiple submitters, no conflicts (2 of 4 stars). 8 submissions from 8 submitters: Pathogenic (2); Likely pathogenic (5). 1 of the submissions does not count toward it. Last evaluated 2025-12-19.

Conditions:
Adult hypophosphatasia. Identifiers: Orphanet 247676, Orphanet 436, MedGen C0268413, MONDO:1010154, OMIM 146300, MONDO:0007798.
Childhood hypophosphatasia. Identifiers: Orphanet 247667, Orphanet 436, MedGen C0220743, MONDO:1010168, OMIM 241510, MONDO:0009428.
Infantile hypophosphatasia. Identifiers: Orphanet 247651, Orphanet 436, MedGen C0268412, MONDO:1010169, OMIM 241500, MONDO:0009427.
Hypophosphatasia. Also called: Phosphoethanol-aminuria. Identifiers: Orphanet 436, MedGen C0020630, MeSH D007014, MONDO:0018570.

gnomAD v4.1: 13 of 1,613,746 alleles (0.00081%); highest among the groups gnomAD compares: Non-Finnish European, 0.0011%; no homozygotes.

Submissions (8):

Labcorp Genetics (formerly Invitae), Labcorp
Classification: Pathogenic. Last evaluated: 2025-12-19. Review status: criteria provided, single submitter. Criteria: Invitae Variant Classification Sherloc (09022015). Collection method: clinical testing. Allele origin: germline.
Comment: This sequence change replaces glycine, which is neutral and non-polar, with serine, which is neutral and polar, at codon 112 of the ALPL protein (p.Gly112Ser). This variant is not present in population databases (gnomAD no frequency). This missense change has been observed in individual(s) with hypophosphatasia (PMID: 15300736, 27312557, 28127875, 32160374). In at least one individual the data is consistent with being in trans (on the opposite chromosome) from a pathogenic variant. This variant is also known as Gly95Ser. ClinVar contains an entry for this variant (Variation ID: 549969). Invitae Evidence Modeling of protein sequence and biophysical properties (such as structural, functional, and spatial information, amino acid conservation, physicochemical variation, residue mobility, and thermodynamic stability) indicates that this missense variant is expected to disrupt ALPL protein function with a positive predictive value of 95%. For these reasons, this variant has been classified as Pathogenic.

Genomenon, Inc
Classification: Likely pathogenic for Hypophosphatasia. Last evaluated: 2025-08-29. Review status: criteria provided, single submitter. Criteria: Genomenon Sequence Variant Interpretation Standards. Collection method: curation. Allele origin: germline. Affected: yes.
Comment: ALPL p.Gly112Ser (c.334G>A) is a missense variant that changes the amino acid at residue 112 from Glycine to Serine. This variant has been observed in at least one proband affected with hypophosphatasia (PMID:26783040;15300736;27312557). It is absent or not present at a significant frequency in gnomAD. In silico models agree that this variant is possibly or probably damaging. In conclusion, we classify ALPL p.Gly112Ser (c.334G>A) as a likely pathogenic variant.

Women's Health and Genetics/Laboratory Corporation of America, LabCorp
Classification: Pathogenic for Hypophosphatasia. Last evaluated: 2025-03-12. Review status: criteria provided, single submitter. Criteria: LabCorp Variant Classification Summary - May 2015. Collection method: clinical testing. Allele origin: germline.
Comment: Variant summary: ALPL c.334G>A (p.Gly112Ser) results in a non-conservative amino acid change in the encoded protein sequence. Four of five in-silico tools predict a damaging effect of the variant on protein function. The variant was absent in 251008 control chromosomes. c.334G>A has been reported in the literature in multiple individuals affected with Hypophosphatasia (Witters_2004, Park_2016, Tenorio_2017, Del Angel_2020, Mornet_2020). These data indicate that the variant is very likely to be associated with disease. To our knowledge, no experimental evidence demonstrating an impact on protein function has been reported. The following publications have been ascertained in the context of this evaluation (PMID: 32160374, 38702915, 32973344, 27312557, 28127875, 15300736). ClinVar contains an entry for this variant (Variation ID: 549969). Based on the evidence outlined above, the variant was classified as pathogenic.

Natera, Inc.
Classification: Likely pathogenic for Hypophosphatasia. Last evaluated: 2025-02-19. Review status: criteria provided, single submitter. Criteria: Natera Variant Classification Schema (03/2026). Collection method: clinical testing. Allele origin: germline.
Comment: The c.334G>A variant in ALPL is a missense variant predicted to cause substitution of glycine to serine at amino acid 112. This variant is rare in the general population with a frequency below the threshold expected for the associated phenotype(s). This variant has been observed in one or more individuals affected with the associated recessive disease, as either homozygous or compound heterozygous with a second variant (PMID: 32973344, 27312557, 15300736). This variant has been observed in affected individual(s) with monoallelic occurrence (heterozygous/hemizygous) (PMID: 32973344). Computational prediction algorithms indicate this variant is likely to affect gene or protein function. Given the available evidence, this variant is classified as Likely Pathogenic.

Fulgent Genetics
Classification: Likely pathogenic for Adult hypophosphatasia; Infantile hypophosphatasia; Childhood hypophosphatasia. Last evaluated: 2024-03-04. Review status: criteria provided, single submitter. Criteria: ACMG Guidelines, 2015. Collection method: clinical testing. Allele origin: germline.

Baylor Genetics
Classification: Likely pathogenic for Adult hypophosphatasia. Last evaluated: 2024-02-13. Review status: criteria provided, single submitter. Criteria: ACMG Guidelines, 2015. Collection method: clinical testing. Allele origin: unknown.

CeGaT Center for Human Genetics Tuebingen
Classification: Likely pathogenic. Last evaluated: 2022-02-01. Review status: criteria provided, single submitter. Criteria: CeGaT Center For Human Genetics Tuebingen Variant Classification Criteria Version 2. Collection method: clinical testing. Allele origin: germline. Affected: yes. Observed: 1 variant allele.

Counsyl
Classification: Uncertain significance for Infantile hypophosphatasia. Last evaluated: 2017-12-21. Review status: no assertion criteria provided. Collection method: clinical testing. Allele origin: unknown. Not counted in ClinVar's aggregate classification.

Literature cited by the submitters: PubMed 15300736 (cited by 5 submitters); PubMed 27312557 (cited by 5 submitters); PubMed 28127875 (cited by Labcorp Genetics (formerly Invitae), Labcorp and Women's Health and Genetics/Laboratory Corporation of America, LabCorp); PubMed 32160374 (cited by Labcorp Genetics (formerly Invitae), Labcorp and Women's Health and Genetics/Laboratory Corporation of America, LabCorp); PubMed 26783040 (cited by Genomenon, Inc and Counsyl); PubMed 32973344 (cited by Women's Health and Genetics/Laboratory Corporation of America, LabCorp and Natera, Inc.); PubMed 38702915 (cited by Women's Health and Genetics/Laboratory Corporation of America, LabCorp).